The following is an entry in ClinVar:

NM_004752.4(GCM2):c.1149CAC[5] (p.Thr387_Lys388insThr)

Gene: GCM2 (glial cells missing transcription factor 2; minus strand). Cytogenetic location: 6p24.2.
Variant type: Microsatellite.
Coding change: c.1149CAC[5] on transcript NM_004752.4 (MANE Select); five copies in a row of the 3-base unit CAC starting at c.1149; the reference has four copies in a row; one copy, 3 bases duplicated.
Protein change: p.Thr387_Lys388insThr.
Molecular consequence: inframe insertion.
Genome position (GRCh38, 1-based): chr6:10,874,356-10,874,358, GTG duplicated on the plus strand (CAC on the coding strand, the reverse complement: GCM2 is on the minus strand); duplicating any 3 consecutive bases within chr6:10,874,356-10,874,367 gives the same sequence; the position shown is the placement nearest the transcript's 3' end. VCF-style (leftmost placement, unchanged base first): chr6-10874355-A-AGTG. GRCh37 (hg19) VCF-style: chr6-10874588-A-AGTG.
Other names: c.1158_1160dupCAC (NM_004752.4).
Identifiers: ClinVar variation 2045428 (VCV002045428.7), dbSNP rs142706232, ClinGen allele CA3633939.

ClinVar aggregate classification (germline): Benign/Likely benign. Review status: criteria provided, multiple submitters, no conflicts (2 of 4 stars). 3 submissions from 3 submitters: Benign (1); Likely benign (1). 1 of the submissions does not count toward it. Last evaluated 2026-01-25.

Conditions:
GCM2-related disorder. Also called: GCM2-related condition.

Submissions (3):

Labcorp Genetics (formerly Invitae), Labcorp
Classification: Benign. Last evaluated: 2026-01-25. Review status: criteria provided, single submitter. Criteria: Invitae Variant Classification Sherloc (09022015). Collection method: clinical testing. Allele origin: germline.

Women's Health and Genetics/Laboratory Corporation of America, LabCorp
Classification: Likely benign. Last evaluated: 2025-10-06. Review status: criteria provided, single submitter. Criteria: LabCorp Variant Classification Summary - May 2015. Collection method: clinical testing. Allele origin: germline.
Comment: Variant summary: GCM2 c.1158_1160dupCAC (p.Thr387dup) results in an in-frame duplication that is predicted to duplicate 1 amino acid into the encoded protein. The variant allele was found at a frequency of 0.0005 in 251386 control chromosomes, predominantly at a frequency of 0.0066 within the African or African-American subpopulation in the gnomAD database. The observed variant frequency within African or African-American control individuals in the gnomAD database exceeds the estimated maximal expected allele frequency for disease-causing variants in GCM2. To our knowledge, no occurrence of c.1158_1160dupCAC in individuals affected with GCM2-related conditions and no experimental evidence demonstrating its impact on protein function have been reported. ClinVar contains an entry for this variant (Variation ID: 2045428). Based on the evidence outlined above, the variant was classified as likely benign.

PreventionGenetics, part of Exact Sciences
Classification: Benign for GCM2-related condition. Last evaluated: 2019-11-26. Review status: no assertion criteria provided. Collection method: clinical testing. Allele origin: germline. Not counted in ClinVar's aggregate classification.
Comment: This variant is classified as benign based on ACMG/AMP sequence variant interpretation guidelines (Richards et al. 2015 PMID: 25741868, with internal and published modifications).